The following is an entry in ClinVar:

ClinVar aggregate classification (germline): Uncertain significance (1 of 4 stars; one submission).

Conditions:
Inborn genetic diseases. Identifiers: MedGen C0950123, MeSH D030342.

gnomAD v4.1: 8 of 1,588,956 alleles (0.0005%); highest among the groups gnomAD compares: Non-Finnish European, 0.0006%; no homozygotes.

Submission:

Ambry Genetics
Classification: Uncertain significance for Inborn genetic diseases. Last evaluated: 2025-02-21. Review status: criteria provided, single submitter. Criteria: Ambry Variant Classification Scheme 2023. Collection method: clinical testing. Allele origin: germline.
Comment: The p.H140R variant (also known as c.419A>G), located in coding exon 2 of the ERCC6L2 gene, results from an A to G substitution at nucleotide position 419. The histidine at codon 140 is replaced by arginine, an amino acid with highly similar properties. This amino acid position is conserved. In addition, this alteration is predicted to be tolerated by in silico analysis. Based on the available evidence, the clinical significance of this variant remains unclear.

NM_020207.7(ERCC6L2):c.419A>G (p.His140Arg)

Gene: ERCC6L2 (ERCC excision repair 6 like 2; plus strand). Cytogenetic location: 9q22.32.
Variant type: single nucleotide variant.
Coding change: c.419A>G on transcript NM_020207.7 (MANE Select); coding-DNA position 419, A replaced by G.
Protein change: p.His140Arg; replaces histidine 140 with arginine.
Molecular consequence: missense variant. On other transcripts: non-coding transcript variant (1).
Genome position (GRCh38, 1-based): chr9:95,881,241, A>G. VCF-style: chr9-95881241-A-G. GRCh37 (hg19) VCF-style: chr9-98643523-A-G.
Other names: c.419A>G, p.His140Arg (NM_001010895.4, NM_001375291.1, NM_001375292.1 and 2 more transcripts); short protein forms H140R.
Identifiers: ClinVar variation 3845955 (VCV003845955.1).